The following is an entry in ClinVar:

NM_002691.4(POLD1):c.2820+3C>G

Gene: POLD1 (DNA polymerase delta 1, catalytic subunit; plus strand). Cytogenetic location: 19q13.33.
Variant type: single nucleotide variant.
Coding change: c.2820+3C>G on transcript NM_002691.4 (MANE Select); 3 bases into the intron after coding-DNA position 2820, C replaced by G.
Molecular consequence: intron variant.
Genome position (GRCh38, 1-based): chr19:50,415,829, C>G. VCF-style: chr19-50415829-C-G. GRCh37 (hg19) VCF-style: chr19-50919086-C-G.
Other names: c.2820+3C>G (NM_001256849.1); c.2898+3C>G (NM_001308632.1).
Identifiers: ClinVar variation 2851952 (VCV002851952.3), dbSNP rs986822818, ClinGen allele CA2739276983.

ClinVar aggregate classification (germline): Uncertain significance (1 of 4 stars; one submission).

Conditions:
POLD1-related polyposis and colorectal cancer syndrome (CRCS10). Also called: Colorectal cancer 10; COLORECTAL CANCER, SUSCEPTIBILITY TO, ON CHROMOSOME 19q; Colorectal cancer, susceptibility to, 10. Identifiers: Orphanet 220460, MedGen C2675481, MONDO:0012953, OMIM 612591.

Submission:

Labcorp Genetics (formerly Invitae), Labcorp
Classification: Uncertain significance for POLD1-related polyposis and colorectal cancer syndrome. Last evaluated: 2023-11-06. Review status: criteria provided, single submitter. Criteria: Invitae Variant Classification Sherloc (09022015). Collection method: clinical testing. Allele origin: germline.
Comment: This sequence change falls in intron 22 of the POLD1 gene. It does not directly change the encoded amino acid sequence of the POLD1 protein. It affects a nucleotide within the consensus splice site. This variant is not present in population databases (gnomAD no frequency). This variant has not been reported in the literature in individuals affected with POLD1-related conditions. Variants that disrupt the consensus splice site are a relatively common cause of aberrant splicing (PMID: 17576681, 9536098). Algorithms developed to predict the effect of sequence changes on RNA splicing suggest that this variant is not likely to affect RNA splicing. In summary, the available evidence is currently insufficient to determine the role of this variant in disease. Therefore, it has been classified as a Variant of Uncertain Significance.

Literature cited by the submitters: PubMed 17576681; PubMed 9536098.